The following is an entry in ClinVar:

NM_004990.4(MARS1):c.941A>G (p.Tyr314Cys)

Gene: MARS1 (methionyl-tRNA synthetase 1; plus strand). Cytogenetic location: 12q13.3.
Variant type: single nucleotide variant.
Coding change: c.941A>G on transcript NM_004990.4 (MANE Select); coding-DNA position 941, A replaced by G.
Protein change: p.Tyr314Cys; replaces tyrosine 314 with cysteine.
Molecular consequence: missense variant.
Genome position (GRCh38, 1-based): chr12:57,498,473, A>G. VCF-style: chr12-57498473-A-G. GRCh37 (hg19) VCF-style: chr12-57892256-A-G.
Other names: c.941A>G (NM_004990.3); short protein forms Y314C.
Identifiers: ClinVar variation 3761474 (VCV003761474.3).

ClinVar aggregate classification (germline): Uncertain significance. Review status: criteria provided, multiple submitters, no conflicts (2 of 4 stars). 2 submissions from 2 submitters: Uncertain significance (2). Last evaluated 2025-05-19.

Conditions:
Severe early-onset pulmonary alveolar proteinosis due to MARS deficiency. Also called: PULMONARY ALVEOLAR PROTEINOSIS, REUNION ISLAND; Interstitial lung and liver disease. Identifiers: Orphanet 440427, MedGen C4225400, MONDO:0014206, OMIM 615486.
Charcot-Marie-Tooth disease axonal type 2U. Also called: CHARCOT-MARIE-TOOTH NEUROPATHY, TYPE 2U; CHARCOT-MARIE-TOOTH DISEASE, AXONAL, AUTOSOMAL DOMINANT, TYPE 2U. Identifiers: Orphanet 397735, MedGen C4084821, MONDO:0014566, OMIM 616280.

gnomAD v4.1: 5 of 1,614,210 alleles (0.00031%); highest among the groups gnomAD compares: Non-Finnish European, 0.00042%; no homozygotes.

Submissions (2):

Ambry Genetics
Classification: Uncertain significance. Last evaluated: 2025-05-19. Review status: criteria provided, single submitter. Criteria: Ambry Variant Classification Scheme 2023. Collection method: clinical testing. Allele origin: germline.

Labcorp Genetics (formerly Invitae), Labcorp
Classification: Uncertain significance for Charcot-Marie-Tooth disease axonal type 2U; Severe early-onset pulmonary alveolar proteinosis due to MARS deficiency. Last evaluated: 2025-01-02. Review status: criteria provided, single submitter. Criteria: Invitae Variant Classification Sherloc (09022015). Collection method: clinical testing. Allele origin: germline.
Comment: This sequence change replaces tyrosine, which is neutral and polar, with cysteine, which is neutral and slightly polar, at codon 314 of the MARS protein (p.Tyr314Cys). This variant is not present in population databases (gnomAD no frequency). This variant has not been reported in the literature in individuals affected with MARS-related conditions. An algorithm developed to predict the effect of missense changes on protein structure and function (PolyPhen-2) suggests that this variant is likely to be disruptive. In summary, the available evidence is currently insufficient to determine the role of this variant in disease. Therefore, it has been classified as a Variant of Uncertain Significance.